The following is an entry in ClinVar:

ClinVar aggregate classification (germline): Conflicting classifications of pathogenicity. Review status: criteria provided, conflicting classifications (1 of 4 stars). 2 submissions from 1 submitter: Uncertain significance (1); Likely benign (1). Last evaluated 2018-01-12.

Conditions:
Congenital myasthenic syndrome (CMS). Also called: Congenital Myasthenic Syndromes. Identifiers: Orphanet 590, MedGen C0751882, MeSH D020294, MONDO:0018940.
Lethal multiple pterygium syndrome (LMPS). Identifiers: Orphanet 33108, MedGen C1854678, MONDO:0009668, OMIM 253290.

Allele frequency attached by ClinVar (database versions not stated): gnomAD exomes 0.00007 and 0.00012; 1000 Genomes Project 0.00060; TOPMed 0.00063; 1000 Genomes Project 30x 0.00078.
gnomAD v4.1: 116 of 454,142 alleles (0.026%); highest among the groups gnomAD compares: African/African-American, 0.21%; no homozygotes.

Submissions (2):

Illumina Laboratory Services, Illumina
Classification: Likely benign for Lethal multiple pterygium syndrome. Last evaluated: 2018-01-12. Review status: criteria provided, single submitter. Criteria: ICSL Variant Classification Criteria 13 December 2019. Collection method: clinical testing. Allele origin: germline.
Comment: This variant was observed in the ICSL laboratory as part of a predisposition screen in an ostensibly healthy population. It had not been previously curated by ICSL or reported in the Human Gene Mutation Database (HGMD: prior to June 1st, 2018), and was therefore a candidate for classification through an automated scoring system. Utilizing variant allele frequency, disease prevalence and penetrance estimates, and inheritance mode, an automated score was calculated to assess if this variant is too frequent to cause the disease. Based on the score and internal cut-off values, a variant classified as likely benign is not then subjected to further curation. The score for this variant resulted in a classification of likely benign for this disease.

Illumina Laboratory Services, Illumina
Classification: Uncertain significance for Congenital myasthenic syndrome. Last evaluated: 2018-01-12. Review status: criteria provided, single submitter. Criteria: ICSL Variant Classification Criteria 13 December 2019. Collection method: clinical testing. Allele origin: germline.

NM_000751.3(CHRND):c.*908A>G

Gene: CHRND (cholinergic receptor nicotinic delta subunit; plus strand). Cytogenetic location: 2q37.1.
Variant type: single nucleotide variant.
Coding change: c.*908A>G on transcript NM_000751.3 (MANE Select); 908 bases downstream of the stop codon, A replaced by G.
Molecular consequence: 3 prime UTR variant.
Genome position (GRCh38, 1-based): chr2:232,536,220, A>G. VCF-style: chr2-232536220-A-G. GRCh37 (hg19) VCF-style: chr2-233400930-A-G.
Other names: c.*908A>G (NM_001256657.2, NM_001311195.2, NM_001311196.2).
Identifiers: ClinVar variation 896197 (VCV000896197.4), dbSNP rs547787086, ClinGen allele CA66959554.